The following is an entry in ClinVar:

NM_145046.5(CALR3):c.619A>G (p.Lys207Glu)

Gene: CALR3 (calreticulin 3; minus strand). Cytogenetic location: 19p13.11.
Variant type: single nucleotide variant.
Coding change: c.619A>G on transcript NM_145046.5 (MANE Select); coding-DNA position 619, A replaced by G.
Protein change: p.Lys207Glu; replaces lysine 207 with glutamic acid.
Molecular consequence: missense variant.
Genome position (GRCh38, 1-based): chr19:16,483,989, T>C on the plus strand (A>G on the coding strand, the complement: CALR3 is on the minus strand). VCF-style: chr19-16483989-T-C. GRCh37 (hg19) VCF-style: chr19-16594800-T-C.
Other names: short protein forms K207E.
Identifiers: ClinVar variation 859046 (VCV000859046.10), dbSNP rs111870908, ClinGen allele CA9278340.
Genomic context (GRCh38, chr19:16,483,989, plus strand): 5'-CCTGGGCTTTGTTGTCTTTAGTCTGTTCCCAATCCTTCGATTCTGCCGGGGACGTTTCCT[T>C]CTTGAGTGATGTTAAGTTCCAGTCGTACTCTATGCTGCCGGATTCAATTGACTGACCATC-3'
Protein context (NP_659483.2, residues 197-217): EYDWNLTSLK[Lys207Glu]ETSPAESKDW

ClinVar aggregate classification (germline): Uncertain significance (1 of 4 stars; one submission).

Conditions:
Hypertrophic cardiomyopathy 19. Also called: Familial hypertrophic cardiomyopathy 19. Identifiers: MedGen CN077603, MONDO:0013476.

Allele frequency attached by ClinVar (database versions not stated): gnomAD exomes below 0.00001 and 0.00001; ExAC 0.00002; gnomAD 0.00004 and 0.00005; TOPMed 0.00004.

Submission:

Labcorp Genetics (formerly Invitae), Labcorp
Classification: Uncertain significance for Hypertrophic cardiomyopathy 19. Last evaluated: 2025-04-23. Review status: criteria provided, single submitter. Criteria: Invitae Variant Classification Sherloc (09022015). Collection method: clinical testing. Allele origin: germline.
Comment: This sequence change replaces lysine, which is basic and polar, with glutamic acid, which is acidic and polar, at codon 207 of the CALR3 protein (p.Lys207Glu). This variant is present in population databases (rs111870908, gnomAD 0.008%). This variant has not been reported in the literature in individuals affected with CALR3-related conditions. ClinVar contains an entry for this variant (Variation ID: 859046). Invitae Evidence Modeling of protein sequence and biophysical properties (such as structural, functional, and spatial information, amino acid conservation, physicochemical variation, residue mobility, and thermodynamic stability) indicates that this missense variant is not expected to disrupt CALR3 protein function with a negative predictive value of 80%. In summary, the available evidence is currently insufficient to determine the role of this variant in disease. Therefore, it has been classified as a Variant of Uncertain Significance.